The following is an entry in ClinVar:

ClinVar aggregate classification (germline): Uncertain significance. Review status: criteria provided, multiple submitters, no conflicts (2 of 4 stars). 2 submissions from 2 submitters: Uncertain significance (2). Last evaluated 2025-08-19.

Conditions:
Glomerulopathy with fibronectin deposits 2 (GFND2). Identifiers: Orphanet 84090, MedGen C1866075, MONDO:0011165, OMIM 601894.
Spondylometaphyseal dysplasia - Sutcliffe type. Also called: Spondylometaphyseal dysplasia, 'corner fracture' type; Spondylometaphyseal Dysplasia, Corner Fracture Type; Sutcliffe type of spondylometaphyseal dysplasia; Sutcliffe SMD. Identifiers: Orphanet 93315, MedGen C0432221, MONDO:0008479, OMIM 184255.

Allele frequency attached by ClinVar (database versions not stated): TOPMed below 0.00001; gnomAD exomes 0.00001.
gnomAD v4.1: 14 of 1,613,766 alleles (0.00087%); highest among the groups gnomAD compares: Admixed American, 0.0017%; no homozygotes.

Submissions (2):

Labcorp Genetics (formerly Invitae), Labcorp
Classification: Uncertain significance. Last evaluated: 2025-08-19. Review status: criteria provided, single submitter. Criteria: Invitae Variant Classification Sherloc (09022015). Collection method: clinical testing. Allele origin: germline.
Comment: This sequence change replaces arginine, which is basic and polar, with histidine, which is basic and polar, at codon 694 of the FN1 protein (p.Arg694His). This variant is present in population databases (no rsID available, gnomAD 0.0009%). This variant has not been reported in the literature in individuals affected with FN1-related conditions. ClinVar contains an entry for this variant (Variation ID: 1352659). An algorithm developed to predict the effect of missense changes on protein structure and function (PolyPhen-2) suggests that this variant is likely to be disruptive. In summary, the available evidence is currently insufficient to determine the role of this variant in disease. Therefore, it has been classified as a Variant of Uncertain Significance.

Fulgent Genetics
Classification: Uncertain significance for Spondylometaphyseal dysplasia - Sutcliffe type; Glomerulopathy with fibronectin deposits 2. Last evaluated: 2024-04-19. Review status: criteria provided, single submitter. Criteria: ACMG Guidelines, 2015. Collection method: clinical testing. Allele origin: germline.

NM_212482.4(FN1):c.2081G>A (p.Arg694His)

Gene: FN1 (fibronectin 1; minus strand). Cytogenetic location: 2q35.
Variant type: single nucleotide variant.
Coding change: c.2081G>A on transcript NM_212482.4 (MANE Select); coding-DNA position 2081, G replaced by A.
Protein change: p.Arg694His; replaces arginine 694 with histidine.
Molecular consequence: missense variant.
Genome position (GRCh38, 1-based): chr2:215,409,975, C>T on the plus strand (G>A on the coding strand, the complement: FN1 is on the minus strand). VCF-style: chr2-215409975-C-T. GRCh37 (hg19) VCF-style: chr2-216274698-C-T.
Other names: c.2081G>A, p.Arg694His (NM_001306129.2, NM_001306130.2, NM_001306131.2 and 13 more transcripts); short protein forms R694H.
Identifiers: ClinVar variation 1352659 (VCV001352659.7), dbSNP rs1256920142, ClinGen allele CA350491913.
Genomic context (GRCh38, chr2:215,409,975, plus strand): 5'-AGGGTGGTTGTGTACATACTGGTCACAGGTGTGCTGGTGCTGGTGGTGGTGAAGTCAAAG[C>T]GAGTCACTTCTTGGTGGCCGTACTGCTGGATGCTGATGAGCTGGCCCTCGTATACCACAC-3'
Protein context (NP_997647.2, residues 684-704): IQQYGHQEVT[Arg694His]FDFTTTSTST